The following is an entry in ClinVar:

ClinVar aggregate classification (germline): Likely benign. Review status: criteria provided, single submitter (1 of 4 stars). 2 submissions from 2 submitters: Likely benign (1). 1 of the submissions does not count toward it. Last evaluated 2025-10-03.

Conditions:
VPS33B-related disorder. Also called: VPS33B-related condition.

Allele frequency attached by ClinVar (database versions not stated): TOPMed 0.00002; gnomAD 0.00003; gnomAD exomes 0.00003; ExAC 0.00007; 1000 Genomes Project 30x 0.00031; 1000 Genomes Project 0.00040.
gnomAD v4.1: 42 of 1,614,194 alleles (0.0026%); highest among the groups gnomAD compares: East Asian, 0.089%; no homozygotes.

Submissions (2):

Labcorp Genetics (formerly Invitae), Labcorp
Classification: Likely benign. Last evaluated: 2025-10-03. Review status: criteria provided, single submitter. Criteria: Invitae Variant Classification Sherloc (09022015). Collection method: clinical testing. Allele origin: germline.

PreventionGenetics, part of Exact Sciences
Classification: Likely benign for VPS33B-related condition. Last evaluated: 2023-04-11. Review status: no assertion criteria provided. Collection method: clinical testing. Allele origin: germline. Not counted in ClinVar's aggregate classification.
Comment: This variant is classified as likely benign based on ACMG/AMP sequence variant interpretation guidelines (Richards et al. 2015 PMID: 25741868, with internal and published modifications).

NM_018668.5(VPS33B):c.457C>T (p.Leu153=)

Gene: VPS33B (VPS33B late endosome and lysosome associated; minus strand). Cytogenetic location: 15q26.1.
Variant type: single nucleotide variant.
Coding change: c.457C>T on transcript NM_018668.5 (MANE Select); coding-DNA position 457, C replaced by T.
Protein change: p.Leu153=; no amino-acid change (leucine 153 retained).
Molecular consequence: synonymous variant.
Genome position (GRCh38, 1-based): chr15:91,007,911, G>A on the plus strand (C>T on the coding strand, the complement: VPS33B is on the minus strand). VCF-style: chr15-91007911-G-A. GRCh37 (hg19) VCF-style: chr15-91551141-G-A.
Other names: c.376C>T, p.Leu126= (NM_001289148.1); c.184C>T, p.Leu62= (NM_001289149.1).
Identifiers: ClinVar variation 2160587 (VCV002160587.6), dbSNP rs201390279, ClinGen allele CA7745056.